The following is an entry in ClinVar:

NM_002834.5(PTPN11):c.64A>G (p.Thr22Ala)

Gene: PTPN11 (protein tyrosine phosphatase non-receptor type 11; plus strand). Cytogenetic location: 12q24.13.
Variant type: single nucleotide variant.
Coding change: c.64A>G on transcript NM_002834.5 (MANE Select); coding-DNA position 64, A replaced by G.
Protein change: p.Thr22Ala; replaces threonine 22 with alanine.
Molecular consequence: missense variant.
Genome position (GRCh38, 1-based): chr12:112,446,325, A>G. VCF-style: chr12-112446325-A-G. GRCh37 (hg19) VCF-style: chr12-112884129-A-G.
Other names: c.64A>G, p.Thr22Ala (NM_001330437.2, NM_001374625.1, NM_080601.3); short protein forms T22A.
Identifiers: ClinVar variation 981576 (VCV000981576.6), dbSNP rs757537175, ClinGen allele CA6798511.
Genomic context (GRCh38, chr12:112,446,325, plus strand): 5'-TTCTTTTTAAGATGGTTTCACCCAAATATCACTGGTGTGGAGGCAGAAAACCTACTGTTG[A>G]CAAGAGGAGTTGATGGCAGTTTTTTGGCAAGGCCTAGTAAAAGTAACCCTGGAGACTTCA-3'
Protein context (NP_002825.3, residues 12-32): TGVEAENLLL[Thr22Ala]RGVDGSFLAR

ClinVar aggregate classification (germline): Uncertain significance. Review status: criteria provided, multiple submitters, no conflicts (2 of 4 stars). 4 submissions from 4 submitters: Uncertain significance (3). 1 of the submissions does not count toward it. Last evaluated 2026-07-28.

Conditions:
RASopathy. Also called: rasopathies; Noonan spectrum disorder. Identifiers: Orphanet 536391, MedGen C5555857, MONDO:0021060.
Noonan syndrome (NS). Also called: Noonan's syndrome. Identifiers: Orphanet 648, MedGen C0028326, MeSH D009634, MONDO:0018997. Disease mechanism: gain of function.
Noonan syndrome 1 (NS1). Also called: FEMALE PSEUDO-TURNER SYNDROME; TURNER PHENOTYPE WITH NORMAL KARYOTYPE; PTPN11-Related Noonan Syndrome. Identifiers: Orphanet 648, MedGen C4551602, MONDO:0008104, OMIM 163950. Disease mechanism: gain of function.
Juvenile myelomonocytic leukemia (JMML). Also called: LEUKEMIA, JUVENILE MYELOMONOCYTIC, SOMATIC. Identifiers: Orphanet 86834, MedGen C0349639, MONDO:0011908, OMIM 607785, HP:0012209.
Metachondromatosis (METCDS). Identifiers: Orphanet 2499, MedGen C0410530, MONDO:0007979, OMIM 156250.
LEOPARD syndrome 1 (LPRD1). Also called: LENTIGINOSIS, CARDIOMYOPATHIC; MULTIPLE LENTIGINES SYNDROME; PTPN11-Related LEOPARD Syndrome. Identifiers: Orphanet 500, MedGen C4551484, MONDO:0100082, OMIM 151100.

Allele frequency attached by ClinVar (database versions not stated): ExAC 0.00001.
gnomAD v4.1: 5 of 1,614,126 alleles (0.00031%); highest among the groups gnomAD compares: South Asian, 0.0011%; no homozygotes.

Submissions (4):

Department of Medical Genetics, Ordu University Medical School Training and Research Hospital
Classification: Uncertain significance. Last evaluated: 2026-07-28. Review status: criteria provided, single submitter. Criteria: ACMG Guidelines, 2015. Collection method: clinical testing. Allele origin: unknown. Observed: 1 variant allele, 1 heterozygote.
Comment: Heterozygous missense variant, p.Thr22Ala, located in the N-terminal SH2 domain of SHP2. Identified as an incidental finding by prenatal exome sequencing; Very rare in gnomAD v4 (5/1,461,822 alleles, no homozygotes; PM2). Noonan syndrome is caused by gain-of-function missense variants affecting a limited set of residues, and Thr22 is not among the recurrently altered positions; a gain-of-function effect cannot be inferred from in silico prediction alone and no functional or segregation data were available. Reported as uncertain significance by multiple submitters in ClinVar without conflicts (VCV000981576).

Labcorp Genetics (formerly Invitae), Labcorp
Classification: Uncertain significance for RASopathy. Last evaluated: 2024-07-19. Review status: criteria provided, single submitter. Criteria: Invitae Variant Classification Sherloc (09022015). Collection method: clinical testing. Allele origin: germline.
Comment: This sequence change replaces threonine, which is neutral and polar, with alanine, which is neutral and non-polar, at codon 22 of the PTPN11 protein (p.Thr22Ala). This variant is present in population databases (rs757537175, gnomAD 0.0009%). This variant has not been reported in the literature in individuals affected with PTPN11-related conditions. ClinVar contains an entry for this variant (Variation ID: 981576). Advanced modeling of protein sequence and biophysical properties (such as structural, functional, and spatial information, amino acid conservation, physicochemical variation, residue mobility, and thermodynamic stability) performed at Invitae indicates that this missense variant is expected to disrupt PTPN11 protein function with a positive predictive value of 80%. Experimental studies have shown that this missense change affects PTPN11 function (PMID: 16631468). In summary, the available evidence is currently insufficient to determine the role of this variant in disease. Therefore, it has been classified as a Variant of Uncertain Significance.

Fulgent Genetics
Classification: Uncertain significance for LEOPARD syndrome 1; Metachondromatosis; Noonan syndrome 1; Juvenile myelomonocytic leukemia. Last evaluated: 2024-06-17. Review status: criteria provided, single submitter. Criteria: ACMG Guidelines, 2015. Collection method: clinical testing. Allele origin: germline.

Service de Génétique Moléculaire, Hôpital Robert Debré
Classification: Uncertain significance for Noonan syndrome. Review status: no assertion criteria provided. Collection method: clinical testing. Allele origin: maternal. Not counted in ClinVar's aggregate classification.

Literature cited by the submitters: PubMed 16631468 (cited by Labcorp Genetics (formerly Invitae), Labcorp).